The following is an entry in ClinVar:

ClinVar aggregate classification (germline): Uncertain significance (1 of 4 stars; one submission).

Conditions:
Arrhythmogenic right ventricular dysplasia 11. Also called: Arrhythmogenic right ventricular dysplasia 11 with mild palmoplantar keratoderma and woolly hair; Arrhythmogenic Right Ventricular Dysplasia/Cardiomyopathy11; ARRHYTHMOGENIC RIGHT VENTRICULAR DYSPLASIA, FAMILIAL, 11. Identifiers: MedGen C1864850, MONDO:0012506, OMIM 610476.

Submission:

Labcorp Genetics (formerly Invitae), Labcorp
Classification: Uncertain significance for Arrhythmogenic right ventricular dysplasia 11. Last evaluated: 2021-11-04. Review status: criteria provided, single submitter. Criteria: Invitae Variant Classification Sherloc (09022015). Collection method: clinical testing. Allele origin: germline.
Comment: In summary, the available evidence is currently insufficient to determine the role of this variant in disease. Therefore, it has been classified as a Variant of Uncertain Significance. Algorithms developed to predict the effect of missense changes on protein structure and function are either unavailable or do not agree on the potential impact of this missense change (SIFT: "Not Available"; PolyPhen-2: "Benign"; Align-GVGD: "Not Available"). ClinVar contains an entry for this variant (Variation ID: 536271). This variant has not been reported in the literature in individuals affected with DSC2-related conditions. Information on the frequency of this variant in the gnomAD database is not available, as this variant may be reported differently in the database. This sequence change replaces glutamic acid, which is acidic and polar, with valine, which is neutral and non-polar, at codon 795 of the DSC2 protein (p.Glu795Val).

NM_024422.6(DSC2):c.2384_2385inv (p.Glu795Val)

Gene: DSC2 (desmocollin 2; minus strand). Cytogenetic location: 18q12.1.
Variant type: Inversion.
Coding change: c.2384_2385inv on transcript NM_024422.6 (MANE Select).
Protein change: p.Glu795Val; replaces glutamic acid 795 with valine.
Molecular consequence: missense variant.
Genome position: GRCh38 VCF-style: chr18-31069017-TT-AA. GRCh37 (hg19) VCF-style: chr18-28648983-TT-AA.
Other names: c.2384_2385inv, p.Glu795Val (NM_004949.5); short protein forms E795V.
Identifiers: ClinVar variation 536271 (VCV000536271.6), ClinGen allele CA658799029.